The following is an entry in ClinVar:

NM_020937.4(FANCM):c.3554A>C (p.Asp1185Ala)

Gene: FANCM (FA complementation group M; plus strand). Cytogenetic location: 14q21.2.
Variant type: single nucleotide variant.
Coding change: c.3554A>C on transcript NM_020937.4 (MANE Select); coding-DNA position 3554, A replaced by C.
Protein change: p.Asp1185Ala; replaces aspartic acid 1185 with alanine.
Molecular consequence: missense variant.
Genome position (GRCh38, 1-based): chr14:45,176,308, A>C. VCF-style: chr14-45176308-A-C. GRCh37 (hg19) VCF-style: chr14-45645511-A-C.
Other names: c.3476A>C, p.Asp1159Ala (NM_001308133.2); short protein forms D1159A, D1185A.
Identifiers: ClinVar variation 4619527 (VCV004619527.1).
Genomic context (GRCh38, chr14:45,176,308, plus strand): 5'-CTGCTATTAGTGAAACGCCTCTGGTCTCTCAGTTCTTAATTTCTGATGAACTTTTGTTGG[A>C]CAATAATTCTGAACTCCAAGATCAAATCACCCGTGATGCTAATAGTTTTAAATCTCGTGA-3'
Protein context (NP_065988.1, residues 1175-1195): QFLISDELLL[Asp1185Ala]NNSELQDQIT

ClinVar aggregate classification (germline): Uncertain significance (1 of 4 stars; one submission).

Conditions:
Inborn genetic diseases. Identifiers: MedGen C0950123, MeSH D030342.

Submission:

Ambry Genetics
Classification: Uncertain significance for Inborn genetic diseases. Last evaluated: 2025-10-26. Review status: criteria provided, single submitter. Criteria: Ambry Variant Classification Scheme 2023. Collection method: clinical testing. Allele origin: germline.
Comment: The p.D1185A variant (also known as c.3554A>C), located in coding exon 14 of the FANCM gene, results from an A to C substitution at nucleotide position 3554. The aspartic acid at codon 1185 is replaced by alanine, an amino acid with dissimilar properties. This amino acid position is conserved. In addition, this alteration is predicted to be tolerated by in silico analysis. Based on the available evidence, the clinical significance of this variant remains unclear.